The following is an entry in ClinVar:

NM_198252.3(GSN):c.454G>C (p.Val152Leu)

Gene: GSN (gelsolin; plus strand). Cytogenetic location: 9q33.2.
Variant type: single nucleotide variant.
Coding change: c.454G>C on transcript NM_198252.3 (MANE Select); coding-DNA position 454, G replaced by C.
Protein change: p.Val152Leu; replaces valine 152 with leucine.
Molecular consequence: missense variant. On other transcripts: 5 prime UTR variant (1).
Genome position (GRCh38, 1-based): chr9:121,310,786, G>C. VCF-style: chr9-121310786-G-C. GRCh37 (hg19) VCF-style: chr9-124073064-G-C.
Other names: c.607G>C, p.Val203Leu (NM_000177.5); c.454G>C, p.Val152Leu (NM_001127662.2, NM_001127664.2, NM_001127665.2 and 10 more transcripts); c.562G>C, p.Val188Leu (NM_001127663.2); c.487G>C, p.Val163Leu (NM_001127666.2, NM_001127667.2, NM_001353063.2 and 13 more transcripts); c.505G>C, p.Val169Leu (NM_001258029.2); c.478G>C, p.Val160Leu (NM_001258030.2); c.526G>C, p.Val176Leu (NM_001353076.2); c.-201G>C (NM_001353078.2); short protein forms V152L, V160L, V163L, V169L, V188L, V203L, V176L.
Identifiers: ClinVar variation 4710638 (VCV004710638.1).

ClinVar aggregate classification (germline): Uncertain significance (1 of 4 stars; one submission).

Submission:

Labcorp Genetics (formerly Invitae), Labcorp
Classification: Uncertain significance. Last evaluated: 2025-03-25. Review status: criteria provided, single submitter. Criteria: Invitae Variant Classification Sherloc (09022015). Collection method: clinical testing. Allele origin: germline.
Comment: This sequence change replaces valine, which is neutral and non-polar, with leucine, which is neutral and non-polar, at codon 203 of the GSN protein (p.Val203Leu). This variant is not present in population databases (gnomAD no frequency). This variant has not been reported in the literature in individuals affected with GSN-related conditions. Invitae Evidence Modeling of protein sequence and biophysical properties (such as structural, functional, and spatial information, amino acid conservation, physicochemical variation, residue mobility, and thermodynamic stability) indicates that this missense variant is expected to disrupt GSN protein function with a positive predictive value of 80%. In summary, the available evidence is currently insufficient to determine the role of this variant in disease. Therefore, it has been classified as a Variant of Uncertain Significance.